The following is an entry in ClinVar:

NM_173495.3(PTCHD1):c.1199G>C (p.Arg400Thr)

Gene: PTCHD1 (patched domain containing 1; plus strand). Cytogenetic location: Xp22.11.
Variant type: single nucleotide variant.
Coding change: c.1199G>C on transcript NM_173495.3 (MANE Select); coding-DNA position 1199, G replaced by C.
Protein change: p.Arg400Thr; replaces arginine 400 with threonine.
Molecular consequence: missense variant.
Genome position (GRCh38, 1-based): chrX:23,392,717, G>C. VCF-style: chrX-23392717-G-C. GRCh37 (hg19) VCF-style: chrX-23410834-G-C.
Other names: short protein forms R400T.
Identifiers: ClinVar variation 1703128 (VCV001703128.3), dbSNP rs2518766580, ClinGen allele CA412583070.

ClinVar aggregate classification (germline): Uncertain significance (1 of 4 stars; one submission).

Submission:

Greenwood Genetic Center Diagnostic Laboratories, Greenwood Genetic Center
Classification: Uncertain significance. Last evaluated: 2022-06-23. Review status: criteria provided, single submitter. Criteria: ACMG Guidelines, 2015. Collection method: clinical testing. Allele origin: germline. Affected: yes.
Comment: PM2